The following is an entry in ClinVar:

NM_003924.4(PHOX2B):c.883C>A (p.Leu295Ile)

Gene: PHOX2B (paired like homeobox 2B; minus strand). Cytogenetic location: 4p13.
Variant type: single nucleotide variant.
Coding change: c.883C>A on transcript NM_003924.4 (MANE Select); coding-DNA position 883, C replaced by A.
Protein change: p.Leu295Ile; replaces leucine 295 with isoleucine.
Molecular consequence: missense variant.
Genome position (GRCh38, 1-based): chr4:41,745,869, G>T on the plus strand (C>A on the coding strand, the complement: PHOX2B is on the minus strand). VCF-style: chr4-41745869-G-T. GRCh37 (hg19) VCF-style: chr4-41747886-G-T.
Other names: short protein forms L295I.
Identifiers: ClinVar variation 3931854 (VCV003931854.1).

ClinVar aggregate classification (germline): Uncertain significance (1 of 4 stars; one submission).

Conditions:
Hereditary cancer-predisposing syndrome. Also called: Tumor predisposition; Hereditary neoplastic syndrome; Hereditary Cancer Syndrome; Neoplastic Syndromes, Hereditary. Identifiers: Orphanet 140162, MedGen C0027672, MeSH D009386, MONDO:0015356.

Submission:

Ambry Genetics
Classification: Uncertain significance for Hereditary cancer-predisposing syndrome. Last evaluated: 2025-05-15. Review status: criteria provided, single submitter. Criteria: Ambry Variant Classification Scheme 2023. Collection method: clinical testing. Allele origin: germline.
Comment: The p.L295I variant (also known as c.883C>A), located in coding exon 3 of the PHOX2B gene, results from a C to A substitution at nucleotide position 883. The leucine at codon 295 is replaced by isoleucine, an amino acid with highly similar properties. This amino acid position is conserved. In addition, the in silico prediction for this alteration is inconclusive. Based on the available evidence, the clinical significance of this variant remains unclear.